The following is an entry in ClinVar:

ClinVar aggregate classification (germline): Uncertain significance (1 of 4 stars; one submission).

Conditions:
Arrhythmogenic right ventricular cardiomyopathy (ARVD). Also called: Arrhythmogenic right ventricular dysplasia; Cardiomyopathy, ARVC; Arrhythmogenic cardiomyopathy; Arrhythmogenic Right Ventricular Cardiomyopathy (ARVC). Identifiers: Orphanet 247, MedGen C0349788, MeSH D019571, MONDO:0016587. Disease mechanism: loss of function. Inheritance: Various modes of inheritance.

Submission:

All of Us Research Program, National Institutes of Health
Classification: Uncertain significance for Arrhythmogenic right ventricular cardiomyopathy. Last evaluated: 2023-05-04. Review status: criteria provided, single submitter. Criteria: ACMG Guidelines, 2015. Collection method: clinical testing. Allele origin: germline. Inheritance: Autosomal dominant inheritance. Observed: 1 variant allele, 1 heterozygote.
Comment: This missense variant replaces proline with leucine at codon 670 of the DSG2 protein. Computational prediction suggests that this variant may not impact protein structure and function (internally defined REVEL score threshold <= 0.5, PMID: 27666373). To our knowledge, functional studies have not been reported for this variant. This variant has not been reported in individuals affected with DSG2-related disorders in the literature. This variant has not been identified in the general population by the Genome Aggregation Database (gnomAD). The available evidence is insufficient to determine the role of this variant in disease conclusively. Therefore, this variant is classified as a Variant of Uncertain Significance.

This study involves interpretation of variants in research participants for the purpose of population health screening. Participant phenotype was not available at the time of variant classification. Additional details can be found in publication PMID: 35346344, PMCID: PMC8962531

NM_001943.5(DSG2):c.2009C>T (p.Pro670Leu)

Genes: DSG2 (desmoglein 2; plus strand), DSG2-AS1 (DSG2 antisense RNA 1; minus strand). Cytogenetic location: 18q12.1.
Variant type: single nucleotide variant.
Coding change: c.2009C>T on transcript NM_001943.5 (MANE Select); coding-DNA position 2009, C replaced by T.
Protein change: p.Pro670Leu; replaces proline 670 with leucine.
Molecular consequence: missense variant.
Genome position (GRCh38, 1-based): chr18:31,542,527, C>T. VCF-style: chr18-31542527-C-T. GRCh37 (hg19) VCF-style: chr18-29122490-C-T.
Other names: short protein forms P670L.
Identifiers: ClinVar variation 3070900 (VCV003070900.1), dbSNP rs2510920580, ClinGen allele CA402140946.